The following is an entry in ClinVar:

NM_022552.5(DNMT3A):c.186C>T (p.Ser62=)

Gene: DNMT3A (DNA methyltransferase 3 alpha; minus strand). Cytogenetic location: 2p23.3.
Variant type: single nucleotide variant.
Coding change: c.186C>T on transcript NM_022552.5 (MANE Select); coding-DNA position 186, C replaced by T.
Protein change: p.Ser62=; no amino-acid change (serine 62 retained).
Molecular consequence: synonymous variant. On other transcripts: non-coding transcript variant (1).
Genome position (GRCh38, 1-based): chr2:25,282,703, G>A on the plus strand (C>T on the coding strand, the complement: DNMT3A is on the minus strand). VCF-style: chr2-25282703-G-A. GRCh37 (hg19) VCF-style: chr2-25505572-G-A.
Other names: c.186C>T, p.Ser62= (NM_001320892.2, NM_175629.2, NM_175630.1).
Identifiers: ClinVar variation 2907850 (VCV002907850.4), dbSNP rs775703720, ClinGen allele CA1556518.

ClinVar aggregate classification (germline): Likely benign. Review status: criteria provided, single submitter (1 of 4 stars). 2 submissions from 2 submitters: Likely benign (1). 1 of the submissions does not count toward it. Last evaluated 2026-01-26.

Conditions:
DNMT3A-related disorder. Also called: DNMT3A-related disorders; DNMT3A-related condition.
Tatton-Brown-Rahman overgrowth syndrome. Also called: Tall stature-intellectual disability-facial dysmorphism syndrome; Tatton-Brown-Rahman syndrome. Identifiers: Orphanet 404443, MedGen C4014545, MONDO:0014382, OMIM 615879.

Allele frequency attached by ClinVar (database versions not stated): gnomAD 0.00001; TOPMed 0.00001; ExAC 0.00002.
gnomAD v4.1: 32 of 1,525,728 alleles (0.0021%); highest among the groups gnomAD compares: Non-Finnish European, 0.0025%; no homozygotes.

Submissions (2):

Labcorp Genetics (formerly Invitae), Labcorp
Classification: Likely benign for Tatton-Brown-Rahman overgrowth syndrome. Last evaluated: 2026-01-26. Review status: criteria provided, single submitter. Criteria: Invitae Variant Classification Sherloc (09022015). Collection method: clinical testing. Allele origin: germline.

PreventionGenetics, part of Exact Sciences
Classification: Likely benign for DNMT3A-related condition. Last evaluated: 2021-05-25. Review status: no assertion criteria provided. Collection method: clinical testing. Allele origin: germline. Not counted in ClinVar's aggregate classification.
Comment: This variant is classified as likely benign based on ACMG/AMP sequence variant interpretation guidelines (Richards et al. 2015 PMID: 25741868, with internal and published modifications).